The following is an entry in ClinVar:

ClinVar aggregate classification (germline): Pathogenic (1 of 4 stars; one submission).

Submission:

GeneDx
Classification: Pathogenic. Last evaluated: 2023-07-18. Review status: criteria provided, single submitter. Criteria: GeneDx Variant Classification Process June 2021. Collection method: clinical testing. Allele origin: germline. Affected: yes.
Comment: Frameshift variant predicted to result in protein truncation or nonsense mediated decay in a gene for which loss of function is a known mechanism of disease; Not observed at significant frequency in large population cohorts (gnomAD); Has not been previously published as pathogenic or benign to our knowledge

NM_013275.6(ANKRD11):c.2857del (p.Asp953fs)

Gene: ANKRD11 (ankyrin repeat domain containing 11; minus strand). Cytogenetic location: 16q24.3.
Variant type: Deletion.
Coding change: c.2857del on transcript NM_013275.6 (MANE Select); coding-DNA position 2857, one base deleted (G; older notation c.2857delG).
Protein change: p.Asp953fs; shifts the reading frame from aspartic acid 953.
Molecular consequence: frameshift variant.
Genome position (GRCh38, 1-based): chr16:89,283,685, C deleted on the plus strand (G on the coding strand, the reverse complement: ANKRD11 is on the minus strand); the first of 2 consecutive C bases (chr16:89,283,685-89,283,686); deleting either gives the same sequence. VCF-style (leftmost placement, unchanged base first): chr16-89283684-TC-T. GRCh37 (hg19) VCF-style: chr16-89350092-TC-T.
Other names: c.2857del, p.Asp953fs (NM_001256182.2, NM_001256183.2); c.2857delG (NM_013275.5); c.2857del (NM_013275.5); short protein forms D953fs.
Identifiers: ClinVar variation 419036 (VCV000419036.3), dbSNP rs1064793599, ClinGen allele CA16620309.